The following is an entry in ClinVar:

NM_012210.4(TRIM32):c.244G>A (p.Val82Met)

Genes: ASTN2 (astrotactin 2; minus strand), TRIM32 (tripartite motif containing 32; plus strand). Cytogenetic location: 9q33.1.
Variant type: single nucleotide variant.
Coding change: c.244G>A on transcript NM_012210.4 (MANE Select); coding-DNA position 244, G replaced by A.
Protein change: p.Val82Met; replaces valine 82 with methionine.
Molecular consequence: missense variant. On other transcripts: intron variant (3).
Genome position (GRCh38, 1-based): chr9:116,697,986, G>A. VCF-style: chr9-116697986-G-A. GRCh37 (hg19) VCF-style: chr9-119460265-G-A.
Other names: c.244G>A, p.Val82Met (NM_001099679.2, NM_001379048.1, NM_001379049.1 and 1 more transcripts); c.2653+27785C>T (NM_014010.5); c.2794+27785C>T (NM_001365069.1); c.2806+27785C>T (NM_001365068.1); short protein forms V82M.
Identifiers: ClinVar variation 967458 (VCV000967458.8), dbSNP rs1167389328, ClinGen allele CA374647871.

ClinVar aggregate classification (germline): Uncertain significance (1 of 4 stars; one submission).

Conditions:
Bardet-Biedl syndrome (BBS). Identifiers: Orphanet 110, MedGen C0752166, MONDO:0015229.

Allele frequency attached by ClinVar (database versions not stated): gnomAD exomes below 0.00001.
gnomAD v4.1: 1 of 1,614,236 alleles (0.000062%); highest among the groups gnomAD compares: Non-Finnish European, 0.000085%; no homozygotes.

Submission:

Labcorp Genetics (formerly Invitae), Labcorp
Classification: Uncertain significance for Bardet-Biedl syndrome. Last evaluated: 2025-04-28. Review status: criteria provided, single submitter. Criteria: Invitae Variant Classification Sherloc (09022015). Collection method: clinical testing. Allele origin: germline.
Comment: This sequence change replaces valine, which is neutral and non-polar, with methionine, which is neutral and non-polar, at codon 82 of the TRIM32 protein (p.Val82Met). This variant is present in population databases (no rsID available, gnomAD 0.0009%). This variant has not been reported in the literature in individuals affected with TRIM32-related conditions. ClinVar contains an entry for this variant (Variation ID: 967458). An algorithm developed to predict the effect of missense changes on protein structure and function (PolyPhen-2) suggests that this variant is likely to be disruptive. In summary, the available evidence is currently insufficient to determine the role of this variant in disease. Therefore, it has been classified as a Variant of Uncertain Significance.